The following is an entry in ClinVar:

ClinVar aggregate classification (germline): Pathogenic (1 of 4 stars; one submission).

Conditions:
Marfan syndrome (MFS). Also called: MARFAN SYNDROME, TYPE I; Marfan syndrome type 1; Marfan's syndrome; Marfan syndrome, classic; FBN1-Related Marfan Syndrome. Identifiers: Orphanet 284963, Orphanet 558, MedGen C0024796, MONDO:0007947, OMIM 154700.

Submission:

Human Genetics Unit, University Of Colombo
Classification: Pathogenic for Marfan syndrome. Last evaluated: 2023-08-21. Review status: criteria provided, single submitter. Criteria: ACMG Guidelines, 2015. Collection method: clinical testing. Allele origin: germline. Affected: yes. Observed: 1 variant allele.
Comment: The NM_000138.5:c.4245delT is a frameshift variant in the FBN1 gene, predicted to introduce a premature stop codon and truncate the protein (p.Cys1415Trpfs*60). Null variant (frame-shift) in gene FBN1, predicted to cause NMD. Loss-of-function is a known mechanism of disease (gene has 1 839 reported pathogenic LOF variants). The exon affects 1 functional domain: UniProt protein P35555 domain 'EGF-like 24'. The exon contains 56 pathogenic variants. The truncated region contains 1 920 pathogenic variants [PVS1]. In summary, this variant meets criteria to be classified as pathogenic based on ACMG/AMP guidelines: PVS1_VeryStrong, PP4_Strong, and PM2_Supporting.

NM_000138.5(FBN1):c.4245del (p.Cys1415fs)

Genes: FBN1 (fibrillin 1; minus strand), LOC126862124 (CDK7 strongly-dependent group 2 enhancer GRCh37_chr15:48764566-48765765; plus strand). Cytogenetic location: 15q21.1.
Variant type: Deletion.
Coding change: c.4245del on transcript NM_000138.5 (MANE Select); coding-DNA position 4245, one base deleted (T; older notation c.4245delT).
Protein change: p.Cys1415fs; shifts the reading frame from cysteine 1415.
Molecular consequence: frameshift variant.
Genome position (GRCh38, 1-based): chr15:48,472,642, A deleted on the plus strand (T on the coding strand, the reverse complement: FBN1 is on the minus strand). VCF-style (leftmost placement, unchanged base first): chr15-48472641-CA-C. GRCh37 (hg19) VCF-style: chr15-48764838-CA-C.
Other names: c.4245del, p.Cys1415fs (NM_001406716.1); c.4245delT (NM_000138.5); short protein forms C1415fs.
Identifiers: ClinVar variation 3902825 (VCV003902825.1).